The following is an entry in ClinVar:

NM_000051.4(ATM):c.7266G>C (p.Glu2422Asp)

Genes: ATM (ATM serine/threonine kinase; plus strand), C11orf65 (chromosome 11 open reading frame 65; minus strand). Cytogenetic location: 11q22.3.
Variant type: single nucleotide variant.
Coding change: c.7266G>C on transcript NM_000051.4 (MANE Select); coding-DNA position 7266, G replaced by C.
Protein change: p.Glu2422Asp; replaces glutamic acid 2422 with aspartic acid.
Molecular consequence: missense variant. On other transcripts: intron variant (2).
Genome position (GRCh38, 1-based): chr11:108,329,197, G>C. VCF-style: chr11-108329197-G-C. GRCh37 (hg19) VCF-style: chr11-108199924-G-C.
Other names: c.7266G>C, p.Glu2422Asp (NM_001351834.2); c.641-20126C>G (NM_001330368.2); c.*38+6023C>G (NM_001351110.2); short protein forms E2422D.
Identifiers: ClinVar variation 4866460 (VCV004866460.1).

ClinVar aggregate classification (germline): Uncertain significance (1 of 4 stars; one submission).

Conditions:
Hereditary cancer-predisposing syndrome. Also called: Tumor predisposition; Hereditary neoplastic syndrome; Hereditary Cancer Syndrome; Neoplastic Syndromes, Hereditary. Identifiers: Orphanet 140162, MedGen C0027672, MeSH D009386, MONDO:0015356.

gnomAD v4.1: 1 of 1,614,000 alleles (0.000062%); highest among the groups gnomAD compares: African/African-American, 0.0013%; no homozygotes.

Submission:

Ambry Genetics
Classification: Uncertain significance for Hereditary cancer-predisposing syndrome. Last evaluated: 2026-05-07. Review status: criteria provided, single submitter. Criteria: Ambry Variant Classification Scheme 2023. Collection method: clinical testing. Allele origin: germline.
Comment: The p.E2422D variant (also known as c.7266G>C), located in coding exon 48 of the ATM gene, results from a G to C substitution at nucleotide position 7266. The glutamic acid at codon 2422 is replaced by aspartic acid, an amino acid with highly similar properties. In an assay testing ATM function, this variant showed a functionally normal result (Lee KS et al. Cell, 2025 Sep;188:5081-5099.e27). This amino acid position is well conserved in available vertebrate species. In addition, the in silico prediction for this alteration is inconclusive. Based on the available evidence, the clinical significance of this variant remains unclear.

Literature cited by the submitters: PubMed 40580951.